The following is an entry in ClinVar:

NM_000016.6(ACADM):c.30+1G>C

Gene: ACADM (acyl-CoA dehydrogenase medium chain; plus strand). Cytogenetic location: 1p31.1.
Variant type: single nucleotide variant.
Coding change: c.30+1G>C on transcript NM_000016.6 (MANE Select); the canonical splice donor site of the intron after coding-DNA position 30, G replaced by C.
Molecular consequence: splice donor variant.
Genome position (GRCh38, 1-based): chr1:75,724,818, G>C. VCF-style: chr1-75724818-G-C. GRCh37 (hg19) VCF-style: chr1-76190503-G-C.
Other names: c.30+1G>C (NM_001127328.3, NM_001286043.2, NM_000016.5); c.10+1G>C (NM_001286042.2); c.-268+1G>C (NM_001286044.2).
Identifiers: ClinVar variation 1980596 (VCV001980596.9), dbSNP rs1647021342, ClinGen allele CA340805715.

ClinVar aggregate classification (germline): Pathogenic/Likely pathogenic. Review status: criteria provided, multiple submitters, no conflicts (2 of 4 stars). 5 submissions from 5 submitters: Pathogenic (1); Likely pathogenic (4). Last evaluated 2025-12-05.

Conditions:
ACADM-related disorder. Also called: ACADM-related condition.
Medium-chain acyl-coenzyme A dehydrogenase deficiency (ACADMD). Also called: Medium chain acyl-CoA dehydrogenase deficiency; CARNITINE DEFICIENCY SECONDARY TO MEDIUM-CHAIN ACYL-CoA DEHYDROGENASE DEFICIENCY; MCADH DEFICIENCY; ACADM DEFICIENCY; MCADD; MCAD Deficiency. Identifiers: Orphanet 42, MedGen C0220710, MONDO:0008721, OMIM 201450.

Allele frequency attached by ClinVar (database versions not stated): gnomAD exomes below 0.00001; TOPMed below 0.00001.
gnomAD v4.1: 1 of 1,497,708 alleles (0.000067%); highest among the groups gnomAD compares: African/African-American, 0.0014%; no homozygotes.

Submissions (5):

PreventionGenetics, part of Exact Sciences
Classification: Likely pathogenic for ACADM-related condition. Last evaluated: 2025-12-05. Review status: criteria provided, single submitter. Criteria: ACMG Guidelines, 2015. Collection method: clinical testing. Allele origin: germline.
Comment: The ACADM c.30+1G>C variant is predicted to disrupt the GT donor site and interfere with normal splicing. To our knowledge, this variant has not been reported in the literature or in large population databases (gnomAD), indicating that it is rare. Similar or nearby variants (see examples: c.30+1G>T; c.30+4A>G) have been reported in individuals with medium-chain acyl-CoA dehydrogenase deficiency (Maguolo et al. 2020. PubMed ID: 32793418; Andresen et al. 2012. PubMed ID: 22542437). Variants that disrupt the consensus splice donor site in ACADM are expected to be pathogenic. This variant is interpreted as likely pathogenic.

Natera, Inc.
Classification: Likely pathogenic for Medium Chain Acyl-CoA Dehydrogenase Deficiency. Last evaluated: 2025-04-16. Review status: criteria provided, single submitter. Criteria: Natera Variant Classification Schema (03/2026). Collection method: clinical testing. Allele origin: germline.
Comment: The c.30+1G>C variant in ACADM is a canonical splice donor site variant predicted to affect pre-mRNA splicing, which may result in an abnormal transcript and altered protein product. This variant is expected to result in nonsense mediated decay, truncation, or a dysfunctional protein product. This variant is rare in the general population with a frequency below the threshold expected for the associated phenotype(s). Given the available evidence, this variant is classified as Likely Pathogenic.

Baylor Genetics
Classification: Likely pathogenic for Medium-chain acyl-coenzyme A dehydrogenase deficiency. Last evaluated: 2024-03-29. Review status: criteria provided, single submitter. Criteria: ACMG Guidelines, 2015. Collection method: clinical testing. Allele origin: unknown.

Fulgent Genetics
Classification: Likely pathogenic for Medium-chain acyl-coenzyme A dehydrogenase deficiency. Last evaluated: 2024-02-09. Review status: criteria provided, single submitter. Criteria: ACMG Guidelines, 2015. Collection method: clinical testing. Allele origin: germline.

Labcorp Genetics (formerly Invitae), Labcorp
Classification: Pathogenic for Medium-chain acyl-coenzyme A dehydrogenase deficiency. Last evaluated: 2022-01-21. Review status: criteria provided, single submitter. Criteria: Invitae Variant Classification Sherloc (09022015). Collection method: clinical testing. Allele origin: germline.
Comment: For these reasons, this variant has been classified as Pathogenic. This sequence change affects a donor splice site in intron 1 of the ACADM gene. It is expected to disrupt RNA splicing. Variants that disrupt the donor or acceptor splice site typically lead to a loss of protein function (PMID: 16199547), and loss-of-function variants in ACADM are known to be pathogenic (PMID: 16121256, 20434380). This variant is not present in population databases (gnomAD no frequency). Disruption of this splice site has been observed in individual(s) with medium-chain acyl-coenzyme A dehydrogenase deficiency (PMID: 32793418). Algorithms developed to predict the effect of sequence changes on RNA splicing suggest that this variant may disrupt the consensus splice site.

Literature cited by the submitters: PubMed 16199547 (cited by Labcorp Genetics (formerly Invitae), Labcorp); PubMed 16121256 (cited by Labcorp Genetics (formerly Invitae), Labcorp); PubMed 20434380 (cited by Labcorp Genetics (formerly Invitae), Labcorp); PubMed 32793418 (cited by Labcorp Genetics (formerly Invitae), Labcorp).